The following is an entry in ClinVar:

NM_016592.5(GNAS):c.127C>T (p.Arg43Cys)

Genes: GNAS (GNAS complex locus; plus strand), GNAS-AS1 (GNAS antisense RNA 1; minus strand). Cytogenetic location: 20q13.32.
Variant type: single nucleotide variant.
Coding change: c.127C>T on transcript NM_016592.5 (MANE Plus Clinical); coding-DNA position 127, C replaced by T.
Protein change: p.Arg43Cys; replaces arginine 43 with cysteine.
Molecular consequence: missense variant. On other transcripts: 5 prime UTR variant (1).
Genome position (GRCh38, 1-based): chr20:58,840,233, C>T. VCF-style: chr20-58840233-C-T. GRCh37 (hg19) VCF-style: chr20-57415288-C-T.
Other names: c.-611C>T (NM_001410912.1); short protein forms R43C.
Identifiers: ClinVar variation 2628591 (VCV002628591.4), dbSNP rs1273364707, ClinGen allele CA409450881.

ClinVar aggregate classification (germline): Uncertain significance (1 of 4 stars; one submission).

Conditions:
GNAS-related disorder. Identifiers: MedGen CN380105.

Allele frequency attached by ClinVar (database versions not stated): TOPMed 0.00001.
gnomAD v4.1: 2 of 1,611,036 alleles (0.00012%); highest among the groups gnomAD compares: Admixed American, 0.0033%; no homozygotes.

Submission:

PreventionGenetics, part of Exact Sciences
Classification: Uncertain significance for GNAS-related condition. Last evaluated: 2025-08-06. Review status: criteria provided, single submitter. Criteria: ACMG Guidelines, 2015. Collection method: clinical testing. Allele origin: germline.
Comment: The GNAS c.127C>T variant is predicted to result in the amino acid substitution p.Arg43Cys. Of note, in the more commonly reported transcript (NM_000516.7) this variant is pre-coding. To our knowledge, this variant has not been reported in the literature. This variant is reported in 0.0029% of alleles in individuals of Latino descent in gnomAD. At this time, the clinical significance of this variant is uncertain due to the absence of conclusive functional and genetic evidence.